The following is an entry in ClinVar:

NM_018149.7(SMG8):c.13G>A (p.Val5Met)

Gene: SMG8 (SMG8 nonsense mediated mRNA decay factor; plus strand). Cytogenetic location: 17q22.
Variant type: single nucleotide variant.
Coding change: c.13G>A on transcript NM_018149.7 (MANE Select); coding-DNA position 13, G replaced by A.
Protein change: p.Val5Met; replaces valine 5 with methionine.
Molecular consequence: missense variant.
Genome position (GRCh38, 1-based): chr17:59,210,064, G>A. VCF-style: chr17-59210064-G-A. GRCh37 (hg19) VCF-style: chr17-57287425-G-A.
Other names: short protein forms V5M.
Identifiers: ClinVar variation 2369759 (VCV002369759.3), dbSNP rs142656435, ClinGen allele CA8679378.
Genomic context (GRCh38, chr17:59,210,064, plus strand): 5'-GTCGGTTTTACTAACGGACCGGAAGGACTCTAGAGAACGCTCTGCACTATGGCTGGTCCC[G>A]TGAGCTTGCGAGACCTTCTAATGGGAGCATCAGCCTGGATGGGCTCTGAAAGTCCCGGAG-3'
Protein context (NP_060619.4, residues 1-15): MAGP[Val5Met]SLRDLLMGAS

ClinVar aggregate classification (germline): Uncertain significance. Review status: criteria provided, multiple submitters, no conflicts (2 of 4 stars). 2 submissions from 2 submitters: Uncertain significance (2). Last evaluated 2025-07-19.

Conditions:
Inborn genetic diseases. Identifiers: MedGen C0950123, MeSH D030342.

Allele frequency attached by ClinVar (database versions not stated): 1000 Genomes Project 0.00100; 1000 Genomes Project 30x 0.00109; ESP Exome Variant Server 0.00131; gnomAD exomes 0.00111; gnomAD 0.00092; TOPMed 0.00095; ExAC 0.00099.

Submissions (2):

GeneDx
Classification: Uncertain significance. Last evaluated: 2025-07-19. Review status: criteria provided, single submitter. Criteria: GeneDx Variant Classification Process June 2021. Collection method: clinical testing. Allele origin: germline. Affected: yes.
Comment: In silico analysis suggests that this missense variant does not alter protein structure/function; Has not been previously published as pathogenic or benign to our knowledge

Ambry Genetics
Classification: Uncertain significance for Inborn genetic diseases. Last evaluated: 2022-12-02. Review status: criteria provided, single submitter. Criteria: Ambry Variant Classification Scheme 2023. Collection method: clinical testing. Allele origin: germline.